The following is an entry in ClinVar:

NM_014967.5(FAN1):c.474dup (p.Leu159fs)

Gene: FAN1 (FANCD2 and FANCI associated nuclease 1; plus strand). Cytogenetic location: 15q13.3.
Variant type: Duplication.
Coding change: c.474dup on transcript NM_014967.5 (MANE Select); coding-DNA position 474, one base duplicated (A; older notation c.474dupA).
Protein change: p.Leu159fs; shifts the reading frame from leucine 159.
Molecular consequence: frameshift variant.
Genome position (GRCh38, 1-based): chr15:30,905,137, A duplicated; the last of 3 consecutive A bases (chr15:30,905,135-30,905,137); duplicating any one gives the same sequence. VCF-style (leftmost placement, unchanged base first): chr15-30905134-T-TA. GRCh37 (hg19) VCF-style: chr15-31197337-T-TA.
Other names: c.474dup, p.Leu159fs (NM_001146094.2, NM_001146095.1, NM_001146096.2); short protein forms L159fs.
Identifiers: ClinVar variation 3899340 (VCV003899340.2).
Genomic context (GRCh38, chr15:30,905,134, plus strand): 5'-AAATCAAGATGAGCTGAGAAATCGTAGTGTGAAAGTCATTTGTTTGGGAAGCCTAGCATC[T>TA]AAATTGTCCAGAAAATACGTAAAGGCTAAAAAATCAATAGATAAGGATGAAGAATTTGCC-3'

ClinVar aggregate classification (germline): Likely pathogenic (1 of 4 stars; one submission).

Conditions:
Karyomegalic interstitial nephritis. Identifiers: Orphanet 401996, MedGen C3553774, MONDO:0013898, OMIM 614817.

Submission:

Juno Genomics, Hangzhou Juno Genomics, Inc
Classification: Likely pathogenic for Karyomegalic interstitial nephritis. Review status: criteria provided, single submitter. Criteria: ACMG Guidelines, 2015. Collection method: clinical testing. Allele origin: germline. Affected: yes.
Comment: Absent from controls (or at extremely low frequency if recessive) in Genome Aggregation Database, Exome Sequencing Project, 1000 Genomes Project, or Exome Aggregation Consortium.;Null variant in a gene where loss of function (LOF) is a known mechanism of disease.